The following is an entry in ClinVar:

ClinVar aggregate classification (germline): Uncertain significance (1 of 4 stars; one submission).

Conditions:
Hypertrophic cardiomyopathy 19. Also called: Familial hypertrophic cardiomyopathy 19. Identifiers: MedGen CN077603, MONDO:0013476.

Allele frequency attached by ClinVar (database versions not stated): ExAC 0.00001; gnomAD 0.00001 and 0.00002; ESP Exome Variant Server 0.00008.
gnomAD v4.1: 38 of 1,613,950 alleles (0.0024%); highest among the groups gnomAD compares: Non-Finnish European, 0.0029%; no homozygotes.

Submission:

Labcorp Genetics (formerly Invitae), Labcorp
Classification: Uncertain significance for Hypertrophic cardiomyopathy 19. Last evaluated: 2023-04-26. Review status: criteria provided, single submitter. Criteria: Invitae Variant Classification Sherloc (09022015). Collection method: clinical testing. Allele origin: germline.
Comment: In summary, the available evidence is currently insufficient to determine the role of this variant in disease. Therefore, it has been classified as a Variant of Uncertain Significance. Advanced modeling of protein sequence and biophysical properties (such as structural, functional, and spatial information, amino acid conservation, physicochemical variation, residue mobility, and thermodynamic stability) performed at Invitae indicates that this missense variant is not expected to disrupt CALR3 protein function. ClinVar contains an entry for this variant (Variation ID: 574380). This variant has not been reported in the literature in individuals affected with CALR3-related conditions. This variant is present in population databases (rs372514243, gnomAD 0.007%). This sequence change replaces glutamine, which is neutral and polar, with glutamic acid, which is acidic and polar, at codon 377 of the CALR3 protein (p.Gln377Glu).

NM_145046.5(CALR3):c.1129C>G (p.Gln377Glu)

Gene: CALR3 (calreticulin 3; minus strand). Cytogenetic location: 19p13.11.
Variant type: single nucleotide variant.
Coding change: c.1129C>G on transcript NM_145046.5 (MANE Select); coding-DNA position 1129, C replaced by G.
Protein change: p.Gln377Glu; replaces glutamine 377 with glutamic acid.
Molecular consequence: missense variant.
Genome position (GRCh38, 1-based): chr19:16,479,157, G>C on the plus strand (C>G on the coding strand, the complement: CALR3 is on the minus strand). VCF-style: chr19-16479157-G-C. GRCh37 (hg19) VCF-style: chr19-16589968-G-C.
Other names: short protein forms Q377E.
Identifiers: ClinVar variation 574380 (VCV000574380.9), dbSNP rs372514243, ClinGen allele CA9278164.